The following is an entry in ClinVar:

ClinVar aggregate classification (germline): Pathogenic (1 of 4 stars; one submission).

Conditions:
Melanoma, cutaneous malignant, susceptibility to, 1 (CMM1). Also called: B-K MOLE SYNDROME; DYSPLASTIC NEVUS SYNDROME, HEREDITARY; FAMILIAL ATYPICAL MOLE-MALIGNANT MELANOMA SYNDROME; MELANOMA, MALIGNANT. Identifiers: Orphanet 618, MedGen C1835047, MONDO:0007963, OMIM 155600.

Submission:

OLLIN Analises Genomicas, OLLIN
Classification: Pathogenic for Melanoma, cutaneous malignant, susceptibility to, 1. Last evaluated: 2026-08-06. Review status: criteria provided, single submitter. Criteria: ACMG Guidelines 2015 PMID 25741868. Collection method: clinical testing. Allele origin: germline. Inheritance: Autosomal dominant inheritance.
Comment: This nonsense variant, located in exon 1 (of 10), is absent from gnomAD and ClinVar and has not been identified in the literature. This variant introduces a premature stop codon, which is predicted to result in either a truncated protein or degradation of the mRNA via nonsense-mediated decay (NMD). According to the currently available evidence, this variant has been classified as pathogenic (PVS1, PM2_P, PP4).

NM_000455.5(STK11):c.254T>A (p.Leu85Ter)

Gene: STK11 (serine/threonine kinase 11; plus strand). Cytogenetic location: 19p13.3.
Variant type: single nucleotide variant.
Coding change: c.254T>A on transcript NM_000455.5 (MANE Select); coding-DNA position 254, T replaced by A.
Protein change: p.Leu85Ter; replaces leucine 85 with a stop codon.
Molecular consequence: nonsense. On other transcripts: non-coding transcript variant (1).
Genome position (GRCh38, 1-based): chr19:1,207,167, T>A. VCF-style: chr19-1207167-T-A. GRCh37 (hg19) VCF-style: chr19-1207166-T-A.
Other names: c.254T>A, p.Leu85Ter (NM_001407255.1); short protein forms L85*.
Identifiers: ClinVar variation 5002881 (VCV005002881.1).